The following is an entry in ClinVar:

ClinVar aggregate classification (germline): Uncertain significance (1 of 4 stars; one submission).

Conditions:
Ataxia-telangiectasia syndrome (AT). Also called: LOUIS-BAR SYNDROME; Cerebello-oculocutaneous telangiectasia; Immunodeficiency with ataxia telangiectasia; Ataxia telangiectasia (A-T); Ataxia-telangiectasia, complementation group D; AT, COMPLEMENTATION GROUP C. Identifiers: Orphanet 100, MedGen C0004135, MONDO:0008840, OMIM 208900.

Submission:

Labcorp Genetics (formerly Invitae), Labcorp
Classification: Uncertain significance for Ataxia-telangiectasia syndrome. Last evaluated: 2022-11-23. Review status: criteria provided, single submitter. Criteria: Invitae Variant Classification Sherloc (09022015). Collection method: clinical testing. Allele origin: germline.
Comment: This sequence change replaces tryptophan, which is neutral and slightly polar, with serine, which is neutral and polar, at codon 2205 of the ATM protein (p.Trp2205Ser). This variant is not present in population databases (gnomAD no frequency). This variant has not been reported in the literature in individuals affected with ATM-related conditions. Algorithms developed to predict the effect of missense changes on protein structure and function (SIFT, PolyPhen-2, Align-GVGD) all suggest that this variant is likely to be disruptive. In summary, the available evidence is currently insufficient to determine the role of this variant in disease. Therefore, it has been classified as a Variant of Uncertain Significance.

NM_000051.4(ATM):c.6614G>C (p.Trp2205Ser)

Genes: ATM (ATM serine/threonine kinase; plus strand), C11orf65 (chromosome 11 open reading frame 65; minus strand). Cytogenetic location: 11q22.3.
Variant type: single nucleotide variant.
Coding change: c.6614G>C on transcript NM_000051.4 (MANE Select); coding-DNA position 6614, G replaced by C.
Protein change: p.Trp2205Ser; replaces tryptophan 2205 with serine.
Molecular consequence: missense variant. On other transcripts: intron variant (2).
Genome position (GRCh38, 1-based): chr11:108,325,351, G>C. VCF-style: chr11-108325351-G-C. GRCh37 (hg19) VCF-style: chr11-108196078-G-C.
Other names: c.6614G>C, p.Trp2205Ser (NM_001351834.2); c.641-16280C>G (NM_001330368.2); c.*38+9869C>G (NM_001351110.2); short protein forms W2205S.
Identifiers: ClinVar variation 2816082 (VCV002816082.3), dbSNP rs2136308670, ClinGen allele CA382554731.